The following is an entry in ClinVar:

NM_000038.6(APC):c.423-3T>C

Gene: APC (APC regulator of Wnt signaling pathway; plus strand). Cytogenetic location: 5q22.2.
Variant type: single nucleotide variant.
Coding change: c.423-3T>C on transcript NM_000038.6 (MANE Select); 3 bases into the intron before coding-DNA position 423, T replaced by C.
Molecular consequence: intron variant.
Genome position (GRCh38, 1-based): chr5:112,775,626, T>C. VCF-style: chr5-112775626-T-C. GRCh37 (hg19) VCF-style: chr5-112111323-T-C.
Other names: c.423-3T>C (NM_001354895.2, NM_001127510.3, NM_001354896.2 and 2 more transcripts); c.453-3T>C (NM_001354897.2, NM_001354902.2, NM_001127511.3); c.348-3T>C (NM_001354898.2, NM_001354904.2); c.-613-3T>C (NM_001354906.2); c.246-3T>C (NM_001354900.2, NM_001354901.2, NM_001354905.2).
Identifiers: ClinVar variation 485160 (VCV000485160.12), dbSNP rs587782293, ClinGen allele CA658657474.

ClinVar aggregate classification (germline): Conflicting classifications of pathogenicity. Review status: criteria provided, conflicting classifications (1 of 4 stars). 3 submissions from 3 submitters: Uncertain significance (2); Likely benign (1). Last evaluated 2024-09-27.

Conditions:
Familial adenomatous polyposis 1 (FAP1). Also called: FAMILIAL ADENOMATOUS POLYPOSIS 1, ATTENUATED; POLYPOSIS, ADENOMATOUS INTESTINAL. Identifiers: MedGen C2713442, MONDO:0021056, OMIM 175100. Disease mechanism: loss of function.
Hereditary cancer-predisposing syndrome. Also called: Neoplastic Syndromes, Hereditary; Tumor predisposition; Hereditary Cancer Syndrome; Hereditary neoplastic syndrome. Identifiers: Orphanet 140162, MedGen C0027672, MeSH D009386, MONDO:0015356.

Submissions (3):

Ambry Genetics
Classification: Uncertain significance for Hereditary cancer-predisposing syndrome. Last evaluated: 2024-09-27. Review status: criteria provided, single submitter. Criteria: Ambry Variant Classification Scheme 2023. Collection method: clinical testing. Allele origin: germline.
Comment: The c.423-3T>C intronic variant results from a T to C substitution 3 nucleotides upstream from coding exon 4 in the APC gene. This nucleotide position is poorly conserved in available vertebrate species. In silico splice site analysis predicts that this alteration will not have any significant effect on splicing. Based on the available evidence, the clinical significance of this variant remains unclear.

Myriad Genetics, Inc.
Classification: Likely benign for Familial adenomatous polyposis 1. Last evaluated: 2024-02-23. Review status: criteria provided, single submitter. Criteria: Myriad Autosomal Dominant, Autosomal Recessive and X-Linked Classification Criteria (2023). Collection method: clinical testing. Allele origin: unknown.
Comment: This variant is considered likely benign. This variant is intronic and is not expected to impact mRNA splicing.

Labcorp Genetics (formerly Invitae), Labcorp
Classification: Uncertain significance for Familial adenomatous polyposis 1. Last evaluated: 2023-11-14. Review status: criteria provided, single submitter. Criteria: Invitae Variant Classification Sherloc (09022015). Collection method: clinical testing. Allele origin: germline.
Comment: This sequence change falls in intron 4 of the APC gene. It does not directly change the encoded amino acid sequence of the APC protein. It affects a nucleotide within the consensus splice site. This variant is not present in population databases (gnomAD no frequency). This variant has not been reported in the literature in individuals affected with APC-related conditions. ClinVar contains an entry for this variant (Variation ID: 485160). Variants that disrupt the consensus splice site are a relatively common cause of aberrant splicing (PMID: 17576681, 9536098). Algorithms developed to predict the effect of sequence changes on RNA splicing suggest that this variant is not likely to affect RNA splicing. This variant disrupts the c.423-3T>A nucleotide in the APC gene. Other variant(s) that disrupt this nucleotide have been determined to be pathogenic (PMID: 33011440; Invitae). This suggests that this nucleotide is clinically significant, and that variants that disrupt this position are likely to be disease-causing. In summary, the available evidence is currently insufficient to determine the role of this variant in disease. Therefore, it has been classified as a Variant of Uncertain Significance.

Literature cited by the submitters: PubMed 17576681 (cited by Labcorp Genetics (formerly Invitae), Labcorp); PubMed 9536098 (cited by Labcorp Genetics (formerly Invitae), Labcorp); PubMed 33011440 (cited by Labcorp Genetics (formerly Invitae), Labcorp).